The following is an entry in ClinVar:

ClinVar aggregate classification (germline): Conflicting classifications of pathogenicity. Review status: criteria provided, conflicting classifications (1 of 4 stars). 2 submissions from 2 submitters: Uncertain significance (1); Likely benign (1). Last evaluated 2021-12-10.

Conditions:
Hereditary cancer-predisposing syndrome. Also called: Tumor predisposition; Neoplastic Syndromes, Hereditary; Hereditary Cancer Syndrome; Hereditary neoplastic syndrome. Identifiers: Orphanet 140162, MedGen C0027672, MeSH D009386, MONDO:0015356.
Familial cancer of breast. Also called: hereditary breast carcinoma; Hereditary breast cancer; BREAST CANCER, FAMILIAL. Identifiers: Orphanet 227535, MedGen C0346153, MONDO:0016419, OMIM 114480. Disease mechanism: loss of function.

Submissions (2):

MGZ Medical Genetics Center
Classification: Uncertain significance for Familial cancer of breast. Last evaluated: 2021-12-10. Review status: criteria provided, single submitter. Criteria: ACMG Guidelines, 2015. Collection method: clinical testing. Allele origin: germline. Affected: yes. Observed: 1 variant allele.
Comment: ACMG criteria applied: PM2_SUP, BP4

Ambry Genetics
Classification: Likely benign for Hereditary cancer-predisposing syndrome. Last evaluated: 2019-12-26. Review status: criteria provided, single submitter. Criteria: Ambry Variant Classification Scheme 2023. Collection method: clinical testing. Allele origin: germline.

NM_024675.4(PALB2):c.758T>C (p.Leu253Pro)

Gene: PALB2 (partner and localizer of BRCA2; minus strand). Cytogenetic location: 16p12.2.
Variant type: single nucleotide variant.
Coding change: c.758T>C on transcript NM_024675.4 (MANE Select); coding-DNA position 758, T replaced by C.
Protein change: p.Leu253Pro; replaces leucine 253 with proline.
Molecular consequence: missense variant.
Genome position (GRCh38, 1-based): chr16:23,635,788, A>G on the plus strand (T>C on the coding strand, the complement: PALB2 is on the minus strand). VCF-style: chr16-23635788-A-G. GRCh37 (hg19) VCF-style: chr16-23647109-A-G.
Other names: c.698T>C, p.Leu233Pro (NM_001407296.1); c.758T>C, p.Leu253Pro (NM_001407297.1, NM_001407298.1, NM_001407299.1 and 3 more transcripts); c.-128T>C (NM_001407304.1, NM_001407305.1, NM_001407306.1 and 5 more transcripts); short protein forms L233P, L253P.
Identifiers: ClinVar variation 1709034 (VCV001709034.4), dbSNP rs2142435363, ClinGen allele CA395136166.
Genomic context (GRCh38, chr16:23,635,788, plus strand): 5'-AGTTCACTGCTACCTTTAGGAGGAATGTGTTCAAGGTGCTGACTACTACCGCTATCTGAT[A>G]GAGTCTGTAAAGGAACTGTAGTCGCCCTGGTGAAATTAGGTCTTCTTAGGAATGTATCAA-3'
Protein context (NP_078951.2, residues 243-263): TRATTVPLQT[Leu253Pro]SDSGSSQHLE